The following is an entry in ClinVar:

NM_001999.4(FBN2):c.*962C>G

Gene: FBN2 (fibrillin 2; minus strand). Cytogenetic location: 5q23.3.
Variant type: single nucleotide variant.
Coding change: c.*962C>G on transcript NM_001999.4 (MANE Select); 962 bases downstream of the stop codon, C replaced by G.
Molecular consequence: 3 prime UTR variant.
Genome position (GRCh38, 1-based): chr5:128,258,493, G>C on the plus strand (C>G on the coding strand, the complement: FBN2 is on the minus strand). VCF-style: chr5-128258493-G-C. GRCh37 (hg19) VCF-style: chr5-127594185-G-C.
Identifiers: ClinVar variation 905256 (VCV000905256.4), dbSNP rs565071757, ClinGen allele CA127000626.
Genomic context (GRCh38, chr5:128,258,493, plus strand): 5'-TTGTTTGCACATATGGCAATCCTGAAATAACTTGAACATAATAAATGCACCATTATTTAA[G>C]ACAGCACGAAACACCACAGAATGCCAGGTGTTCCCTTTCAAGGGAACGGCGGTTCTTCAG-3'

ClinVar aggregate classification (germline): Benign (1 of 4 stars; one submission).

Conditions:
Congenital contractural arachnodactyly (CCA). Also called: BEALS SYNDROME; Beals-Hecht syndrome; Arthrogryposis, distal, type 9. Identifiers: Orphanet 115, MedGen C0220668, MONDO:0007363, OMIM 121050.

Allele frequency attached by ClinVar (database versions not stated): gnomAD below 0.00001 and 0.00007; TOPMed 0.00002; 1000 Genomes Project 0.00040; 1000 Genomes Project 30x 0.00078.
gnomAD v4.1: 11 of 152,676 alleles (0.0072%); highest among the groups gnomAD compares: South Asian, 0.23%; no homozygotes.

Submission:

Illumina Laboratory Services, Illumina
Classification: Benign for Congenital contractural arachnodactyly. Last evaluated: 2018-01-13. Review status: criteria provided, single submitter. Criteria: ICSL Variant Classification Criteria 13 December 2019. Collection method: clinical testing. Allele origin: germline.
Comment: This variant was observed in the ICSL laboratory as part of a predisposition screen in an ostensibly healthy population. It had not been previously curated by ICSL or reported in the Human Gene Mutation Database (HGMD: prior to June 1st, 2018), and was therefore a candidate for classification through an automated scoring system. Utilizing variant allele frequency, disease prevalence and penetrance estimates, and inheritance mode, an automated score was calculated to assess if this variant is too frequent to cause the disease. Based on the score and internal cut-off values, a variant classified as benign is not then subjected to further curation. The score for this variant resulted in a classification of benign for this disease.